The following is an entry in ClinVar:

NM_022489.4(INF2):c.1095C>A (p.Asp365Glu)

Gene: INF2 (inverted formin 2; plus strand). Cytogenetic location: 14q32.33.
Variant type: single nucleotide variant.
Coding change: c.1095C>A on transcript NM_022489.4 (MANE Select); coding-DNA position 1095, C replaced by A.
Protein change: p.Asp365Glu; replaces aspartic acid 365 with glutamic acid.
Molecular consequence: missense variant.
Genome position (GRCh38, 1-based): chr14:104,707,362, C>A. VCF-style: chr14-104707362-C-A. GRCh37 (hg19) VCF-style: chr14-105173699-C-A.
Other names: c.1095C>A, p.Asp365Glu (NM_001031714.4); short protein forms D365E.
Identifiers: ClinVar variation 1493274 (VCV001493274.8), dbSNP rs2140667164, ClinGen allele CA391215842.

ClinVar aggregate classification (germline): Uncertain significance (1 of 4 stars; one submission).

Conditions:
Focal segmental glomerulosclerosis 5 (FSGS5). Identifiers: Orphanet 656, MedGen C2750475, MONDO:0013191, OMIM 613237.
Charcot-Marie-Tooth disease dominant intermediate E. Also called: CHARCOT-MARIE-TOOTH NEUROPATHY WITH FOCAL SEGMENTAL GLOMERULONEPHRITIS. Identifiers: Orphanet 93114, MedGen C4302667, MONDO:0013758, OMIM 614455.

Submission:

Labcorp Genetics (formerly Invitae), Labcorp
Classification: Uncertain significance for Charcot-Marie-Tooth disease dominant intermediate E; Focal segmental glomerulosclerosis 5. Last evaluated: 2021-03-31. Review status: criteria provided, single submitter. Criteria: Invitae Variant Classification Sherloc (09022015). Collection method: clinical testing. Allele origin: germline.
Comment: Algorithms developed to predict the effect of missense changes on protein structure and function (SIFT, PolyPhen-2, Align-GVGD) all suggest that this variant is likely to be tolerated, but these predictions have not been confirmed by published functional studies and their clinical significance is uncertain. In summary, the available evidence is currently insufficient to determine the role of this variant in disease. Therefore, it has been classified as a Variant of Uncertain Significance. This variant has not been reported in the literature in individuals with INF2-related conditions. This variant is not present in population databases (ExAC no frequency). This sequence change replaces aspartic acid with glutamic acid at codon 365 of the INF2 protein (p.Asp365Glu). The aspartic acid residue is weakly conserved and there is a small physicochemical difference between aspartic acid and glutamic acid.